The following is an entry in ClinVar:

NM_004700.4(KCNQ4):c.896T>C (p.Leu299Pro)

Gene: KCNQ4 (potassium voltage-gated channel subfamily Q member 4; plus strand). Cytogenetic location: 1p34.2.
Variant type: single nucleotide variant.
Coding change: c.896T>C on transcript NM_004700.4 (MANE Select); coding-DNA position 896, T replaced by C.
Protein change: p.Leu299Pro; replaces leucine 299 with proline.
Molecular consequence: missense variant.
Genome position (GRCh38, 1-based): chr1:40,819,936, T>C. VCF-style: chr1-40819936-T-C. GRCh37 (hg19) VCF-style: chr1-41285608-T-C.
Other names: c.896T>C, p.Leu299Pro (NM_172163.3); short protein forms L299P.
Identifiers: ClinVar variation 4687988 (VCV004687988.1).

ClinVar aggregate classification (germline): Uncertain significance (1 of 4 stars; one submission).

Conditions:
Autosomal dominant nonsyndromic hearing loss 2A. Also called: DFNA2 Nonsyndromic Hearing Loss; Autosomal dominant nonsyndromic deafness 2A; Deafness, autosomal dominant 2A. Identifiers: Orphanet 90635, MedGen C2677637, MONDO:0010817, OMIM 600101.

Submission:

Human Genetics Bochum, Ruhr University Bochum
Classification: Uncertain significance for Autosomal dominant nonsyndromic hearing loss 2A. Last evaluated: 2024-04-04. Review status: criteria provided, single submitter. Criteria: ACMG Guidelines, 2015. Collection method: clinical testing. Allele origin: germline. Affected: yes.
Comment: ACMG criteria used to clasify this variant: PP3_STR, PM2_SUP